The following is an entry in ClinVar:

NM_004086.3(COCH):c.*27A>T

Gene: COCH (cochlin; plus strand). Cytogenetic location: 14q12.
Variant type: single nucleotide variant.
Coding change: c.*27A>T on transcript NM_004086.3 (MANE Select); 27 bases downstream of the stop codon, A replaced by T.
Molecular consequence: 3 prime UTR variant.
Genome position (GRCh38, 1-based): chr14:30,889,818, A>T. VCF-style: chr14-30889818-A-T. GRCh37 (hg19) VCF-style: chr14-31359024-A-T.
Other names: c.*27A>T (NM_001135058.2, NM_001347720.2).
Identifiers: ClinVar variation 313007 (VCV000313007.12), dbSNP rs13122, ClinGen allele CA7143380.

ClinVar aggregate classification (germline): Benign. Review status: criteria provided, multiple submitters, no conflicts (2 of 4 stars). 5 submissions from 4 submitters: Benign (5). Last evaluated 2021-07-22.

Conditions:
Autosomal dominant nonsyndromic hearing loss 9. Identifiers: Orphanet 90635, MedGen C1832425, MONDO:0011058, OMIM 601369.
Hearing loss, autosomal recessive 110. Also called: DEAFNESS, AUTOSOMAL RECESSIVE 110. Identifiers: MedGen C4748162, MONDO:0054860, OMIM 618094.

Allele frequency attached by ClinVar (database versions not stated): 1000 Genomes Project 0.16953; 1000 Genomes Project 30x 0.17005; TOPMed 0.22954; gnomAD 0.24414 and 0.24742; gnomAD exomes 0.24752 and 0.29141; ExAC 0.25367; ESP Exome Variant Server 0.25765.
gnomAD v4.1: 459,754 of 1,604,474 alleles (29%); highest among the groups gnomAD compares: Middle Eastern, 33%; 70,135 homozygotes.

Submissions (5):

Genome-Nilou Lab
Classification: Benign for Hearing loss, autosomal recessive 110. Last evaluated: 2021-07-22. Review status: criteria provided, single submitter. Criteria: ACMG Guidelines, 2015. Collection method: clinical testing. Allele origin: germline. Affected: no.

Genome-Nilou Lab
Classification: Benign for Autosomal dominant nonsyndromic hearing loss 9. Last evaluated: 2021-07-22. Review status: criteria provided, single submitter. Criteria: ACMG Guidelines, 2015. Collection method: clinical testing. Allele origin: germline. Affected: no.

GeneDx
Classification: Benign. Last evaluated: 2018-06-24. Review status: criteria provided, single submitter. Criteria: GeneDx Variant Classification Process June 2021. Collection method: clinical testing. Allele origin: germline. Affected: yes.

Illumina Laboratory Services, Illumina
Classification: Benign for Autosomal dominant nonsyndromic hearing loss 9. Last evaluated: 2018-01-13. Review status: criteria provided, single submitter. Criteria: ICSL Variant Classification Criteria 13 December 2019. Collection method: clinical testing. Allele origin: germline.
Comment: This variant was observed in the ICSL laboratory as part of a predisposition screen in an ostensibly healthy population. It had not been previously curated by ICSL or reported in the Human Gene Mutation Database (HGMD: prior to June 1st, 2018), and was therefore a candidate for classification through an automated scoring system. Utilizing variant allele frequency, disease prevalence and penetrance estimates, and inheritance mode, an automated score was calculated to assess if this variant is too frequent to cause the disease. Based on the score and internal cut-off values, a variant classified as benign is not then subjected to further curation. The score for this variant resulted in a classification of benign for this disease.

Breakthrough Genomics
Classification: Benign. Review status: criteria provided, single submitter. Criteria: ACMG Guidelines, 2015. Collection method: not provided. Allele origin: germline. Inheritance: Autosomal recessive inheritance. Affected: yes.